The following is an entry in ClinVar:

NM_006766.5(KAT6A):c.-2C>T

Gene: KAT6A (lysine acetyltransferase 6A; minus strand). Cytogenetic location: 8p11.21.
Variant type: single nucleotide variant.
Coding change: c.-2C>T on transcript NM_006766.5 (MANE Select); 2 bases upstream of the start codon, C replaced by T.
Molecular consequence: 5 prime UTR variant.
Genome position (GRCh38, 1-based): chr8:42,048,979, G>A on the plus strand (C>T on the coding strand, the complement: KAT6A is on the minus strand). VCF-style: chr8-42048979-G-A. GRCh37 (hg19) VCF-style: chr8-41906497-G-A.
Other names: c.-2C>T (NM_001305878.2).
Identifiers: ClinVar variation 1699555 (VCV001699555.2), dbSNP rs750971344, ClinGen allele CA4730485.
Genomic context (GRCh38, chr8:42,048,979, plus strand): 5'-ACTTTTTTGATGGCCTCCAAAATCCACTCAGTATAAAGCGGGTTTGCGAGTTTTACCATG[G>A]TGAAGGATTCTGTATATCCATAGAGTCGTTATCCCTTATCCTGATGCTGAGTAAGTTTTA-3'

ClinVar aggregate classification (germline): Uncertain significance (1 of 4 stars; one submission).

Allele frequency attached by ClinVar (database versions not stated): gnomAD exomes below 0.00001; ExAC 0.00001.

Submission:

GeneDx
Classification: Uncertain significance. Last evaluated: 2022-01-31. Review status: criteria provided, single submitter. Criteria: GeneDx Variant Classification Process June 2021. Collection method: clinical testing. Allele origin: germline. Affected: yes.
Comment: Has not been previously published as pathogenic or benign to our knowledge; This variant alters a conserved position in the Kozak sequence, which plays a role in the initiation of protein translation; however, in the absence of RNA/functional studies, the actual effect of this sequence change in this individual is unknown.; To our knowledge, no regulatory variants have been reported in the KATA6 gene in association with KATA6-related disorders (Stenson et al., 2014).